The following is an entry in ClinVar:

ClinVar aggregate classification (germline): drug response. Review status: reviewed by expert panel (3 of 4 stars). 5 submissions from 3 submitters: drug response (3). 2 of the submissions do not count toward it. Last evaluated 2022-10-27.

Conditions:
fluorouracil response - Other.
capecitabine response - Toxicity.
fluorouracil response - Toxicity.
DPYD-related disorder. Also called: DPYD-related condition.

Allele frequency attached by ClinVar (database versions not stated): 1000 Genomes Project 30x 0.00812; 1000 Genomes Project 0.00958; TOPMed 0.01198; gnomAD 0.01296 and 0.01304.
gnomAD v4.1: 1,993 of 152,204 alleles (1.3%); highest among the groups gnomAD compares: Middle Eastern, 2.4%; 23 homozygotes.

Submissions (5):

ClinPGx
Classification: drug response for fluorouracil response - Toxicity. Last evaluated: 2022-10-27. Review status: reviewed by expert panel. Criteria: Pharmacogenomics knowledge for personalized medicine. Collection method: curation. Allele origin: germline. Affected: yes.
Comment: PharmGKB Level of Evidence 1A: Level 1A clinical annotations describe variant-drug combinations that have variant-specific prescribing guidance available in a current clinical guideline annotation or an FDA-approved drug label annotation. Annotations of drug labels or clinical guidelines must give prescribing guidance for specific variants (e.g. CYP2C9*3, HLA-B*57:01) or provide mapping from defined allele functions to diplotypes and phenotypes to be used as supporting evidence for a level 1A clinical annotation. Level 1A clinical annotations must also be supported by at least one publication in addition to a clinical guideline or drug label with variant-specific prescribing guidance.

Drug is not necessarily used to treat response condition

ClinPGx
Classification: drug response for capecitabine response - Toxicity. Last evaluated: 2022-10-27. Review status: reviewed by expert panel. Criteria: Pharmacogenomics knowledge for personalized medicine. Collection method: curation. Allele origin: germline. Affected: yes.
Comment: the same text as in the submission from ClinPGx above.

ClinPGx
Classification: drug response for fluorouracil response - Other. Last evaluated: 2022-10-27. Review status: reviewed by expert panel. Criteria: Pharmacogenomics knowledge for personalized medicine. Collection method: curation. Allele origin: germline. Affected: yes.
Comment: PharmGKB Level of Evidence 1A: Level 1A clinical annotations describe variant-drug combinations that have variant-specific prescribing guidance available in a current clinical guideline annotation or an FDA-approved drug label annotation. Annotations of drug labels or clinical guidelines must give prescribing guidance for specific variants (e.g. CYP2C9*3, HLA-B*57:01) or provide mapping from defined allele functions to diplotypes and phenotypes to be used as supporting evidence for a level 1A clinical annotation. Level 1A clinical annotations must also be supported by at least one publication in addition to a clinical guideline or drug label with variant-specific prescribing guidance.

CeGaT Center for Human Genetics Tuebingen
Classification: Benign. Last evaluated: 2026-09-01. Review status: criteria provided, single submitter. Criteria: CeGaT Center For Human Genetics Tuebingen Variant Classification Criteria Version 2. Collection method: clinical testing. Allele origin: germline. Affected: yes. Observed: 34 variant alleles. Not counted in ClinVar's aggregate classification.
Comment: DPYD: PP3, BS1, BS2

PreventionGenetics, part of Exact Sciences
Classification: Likely benign for DPYD-related condition. Last evaluated: 2021-07-12. Review status: no assertion criteria provided. Collection method: clinical testing. Allele origin: germline. Not counted in ClinVar's aggregate classification.
Comment: This variant is classified as likely benign based on ACMG/AMP sequence variant interpretation guidelines (Richards et al. 2015 PMID: 25741868, with internal and published modifications).

Literature cited by the submitters: PubMed 20803296 (cited by ClinPGx); PubMed 23736036 (cited by ClinPGx); PubMed 24167597 (cited by ClinPGx); PubMed 24923815 (cited by ClinPGx); PubMed 26658227 (cited by ClinPGx); PubMed 26794347 (cited by ClinPGx); PubMed 28427087 (cited by ClinPGx); PubMed 28614820 (cited by ClinPGx); PubMed 29065426 (cited by ClinPGx); PubMed 25782327 (cited by ClinPGx); PubMed 25410891 (cited by ClinPGx); PubMed 27544765 (cited by ClinPGx); PubMed 28295243 (cited by ClinPGx); PubMed 31745289 (cited by ClinPGx).

NM_000110.4(DPYD):c.1129-5923C>G

Gene: DPYD (dihydropyrimidine dehydrogenase; minus strand). Cytogenetic location: 1p21.3.
Variant type: single nucleotide variant.
Coding change: c.1129-5923C>G on transcript NM_000110.4 (MANE Select); 5923 bases into the intron before coding-DNA position 1129, C replaced by G.
Molecular consequence: intron variant.
Genome position (GRCh38, 1-based): chr1:97,579,893, G>C on the plus strand (C>G on the coding strand, the complement: DPYD is on the minus strand). VCF-style: chr1-97579893-G-C. GRCh37 (hg19) VCF-style: chr1-98045449-G-C.
Other names: c.1129-5923C>G (NM_000110.3).
Identifiers: ClinVar variation 635263 (VCV000635263.28), dbSNP rs75017182, ClinGen allele CA27541879.